The following is an entry in ClinVar:

NM_005051.3(QARS1):c.1571G>A (p.Arg524Gln)

Gene: QARS1 (glutaminyl-tRNA synthetase 1; minus strand). Cytogenetic location: 3p21.31.
Variant type: single nucleotide variant.
Coding change: c.1571G>A on transcript NM_005051.3 (MANE Select); coding-DNA position 1571, G replaced by A.
Protein change: p.Arg524Gln; replaces arginine 524 with glutamine.
Molecular consequence: missense variant. On other transcripts: non-coding transcript variant (1).
Genome position (GRCh38, 1-based): chr3:49,099,387, C>T on the plus strand (G>A on the coding strand, the complement: QARS1 is on the minus strand). VCF-style: chr3-49099387-C-T. GRCh37 (hg19) VCF-style: chr3-49136820-C-T.
Other names: c.1571G>A (NM_005051.1); c.1538G>A, p.Arg513Gln (NM_001272073.2); short protein forms R513Q, R524Q.
Identifiers: ClinVar variation 2058594 (VCV002058594.2), dbSNP rs767053528, ClinGen allele CA2391702.

ClinVar aggregate classification (germline): Uncertain significance. Review status: criteria provided, multiple submitters, no conflicts (2 of 4 stars). 2 submissions from 2 submitters: Uncertain significance (2). Last evaluated 2025-08-29.

Conditions:
Inborn genetic diseases. Identifiers: MedGen C0950123, MeSH D030342.
Diffuse cerebral and cerebellar atrophy - intractable seizures - progressive microcephaly syndrome. Also called: Microcephaly, progressive, with seizures and cerebral and cerebellar atrophy. Identifiers: Orphanet 404437, MedGen C4014239, MONDO:0014335, OMIM 615760.

Allele frequency attached by ClinVar (database versions not stated): gnomAD exomes below 0.00001; TOPMed 0.00001; ExAC 0.00002.
gnomAD v4.1: 7 of 1,614,180 alleles (0.00043%); highest among the groups gnomAD compares: Admixed American, 0.0033%; no homozygotes.

Submissions (2):

Ambry Genetics
Classification: Uncertain significance for Inborn genetic diseases. Last evaluated: 2025-08-29. Review status: criteria provided, single submitter. Criteria: Ambry Variant Classification Scheme 2023. Collection method: clinical testing. Allele origin: germline.

Labcorp Genetics (formerly Invitae), Labcorp
Classification: Uncertain significance for Diffuse cerebral and cerebellar atrophy - intractable seizures - progressive microcephaly syndrome. Last evaluated: 2022-04-20. Review status: criteria provided, single submitter. Criteria: Invitae Variant Classification Sherloc (09022015). Collection method: clinical testing. Allele origin: germline.
Comment: This sequence change replaces arginine, which is basic and polar, with glutamine, which is neutral and polar, at codon 524 of the QARS protein (p.Arg524Gln). This variant is present in population databases (rs767053528, gnomAD 0.006%). This variant has not been reported in the literature in individuals affected with QARS-related conditions. Algorithms developed to predict the effect of missense changes on protein structure and function (SIFT, PolyPhen-2, Align-GVGD) all suggest that this variant is likely to be disruptive. Algorithms developed to predict the effect of sequence changes on RNA splicing suggest that this variant may create or strengthen a splice site. In summary, the available evidence is currently insufficient to determine the role of this variant in disease. Therefore, it has been classified as a Variant of Uncertain Significance.